The following is an entry in ClinVar:

ClinVar aggregate classification (germline): Pathogenic (1 of 4 stars; one submission).

Conditions:
Cyanosis, transient neonatal (TNCY). Also called: CYANOSIS, TRANSIENT NEONATEL. Identifiers: Orphanet 280615, MedGen C3151421, MONDO:0013511, OMIM 613977.

Submission:

Unidade de Eritropatologia e Metabolismo do Ferro, Centro Hospitalar e Universitário de Coimbra
Classification: Pathogenic for Cyanosis, transient neonatal. Last evaluated: 2019-11-27. Review status: criteria provided, single submitter. Criteria: Bento et al. (J Pediatr Hematol Oncol. 2013). Collection method: clinical testing. Allele origin: germline. Inheritance: Autosomal dominant inheritance. Affected: yes. Observed: 1 heterozygote.
Comment: The p.L29M variant (Hb F-M Viseu) associates with the methemoglobin (Met-Hb) phenotype. The mutation occurs in the Y-globin chain, hence the methaemoglobinaemia is transitory, resolving with the transition from fetal to adult haemoglobin. It was first reported in neonates with cyanosis.

NM_000184.3(HBG2):c.85C>A (p.Leu29Met)

Genes: HBG2 (hemoglobin subunit gamma 2; minus strand), LOC106099065 (HBG2 recombination region; plus strand). Cytogenetic location: 11p15.4.
Variant type: single nucleotide variant.
Coding change: c.85C>A on transcript NM_000184.3 (MANE Select); coding-DNA position 85, C replaced by A.
Protein change: p.Leu29Met; replaces leucine 29 with methionine.
Molecular consequence: missense variant.
Genome position (GRCh38, 1-based): chr11:5,254,644, G>T on the plus strand (C>A on the coding strand, the complement: HBG2 is on the minus strand). VCF-style: chr11-5254644-G-T. GRCh37 (hg19) VCF-style: chr11-5275874-G-T.
Other names: short protein forms L29M.
Identifiers: ClinVar variation 800493 (VCV000800493.3), dbSNP rs1278163109, ClinGen allele CA379264962.